The following is an entry in ClinVar:

ClinVar aggregate classification (germline): Uncertain significance (1 of 4 stars; one submission).

Conditions:
Hereditary cancer-predisposing syndrome. Also called: Tumor predisposition; Neoplastic Syndromes, Hereditary; Hereditary neoplastic syndrome; Hereditary Cancer Syndrome. Identifiers: Orphanet 140162, MedGen C0027672, MeSH D009386, MONDO:0015356.

Submission:

Ambry Genetics
Classification: Uncertain significance for Hereditary cancer-predisposing syndrome. Last evaluated: 2025-08-27. Review status: criteria provided, single submitter. Criteria: Ambry Variant Classification Scheme 2023. Collection method: clinical testing. Allele origin: germline.
Comment: The p.Q526R variant (also known as c.1577A>G), located in coding exon 16 of the MUTYH gene, results from an A to G substitution at nucleotide position 1577. The glutamine at codon 526 is replaced by arginine, an amino acid with highly similar properties. This amino acid position is conserved. In addition, the in silico prediction for this alteration is inconclusive. Based on the available evidence, the clinical significance of this variant remains unclear.

NM_001048174.2(MUTYH):c.1493A>G (p.Gln498Arg)

Gene: MUTYH (mutY DNA glycosylase; minus strand). Cytogenetic location: 1p34.1.
Variant type: single nucleotide variant.
Coding change: c.1493A>G on transcript NM_001048174.2 (MANE Select); coding-DNA position 1493, A replaced by G.
Protein change: p.Gln498Arg; replaces glutamine 498 with arginine.
Molecular consequence: missense variant. On other transcripts: non-coding transcript variant (7).
Genome position (GRCh38, 1-based): chr1:45,329,379, T>C on the plus strand (A>G on the coding strand, the complement: MUTYH is on the minus strand). VCF-style: chr1-45329379-T-C. GRCh37 (hg19) VCF-style: chr1-45795051-T-C.
Other names: c.1493A>G, p.Gln498Arg (NM_001048171.2, NM_001048173.2, NM_001293195.2 and 6 more transcripts); c.1496A>G, p.Gln499Arg (NM_001048172.2, NM_001407071.1, NM_001407078.1 and 1 more transcripts); c.1577A>G, p.Gln526Arg (NM_001128425.2); c.1538A>G, p.Gln513Arg (NM_001293190.2); c.1526A>G, p.Gln509Arg (NM_001293191.2, NM_001407069.1, NM_001407077.1); c.1217A>G, p.Gln406Arg (NM_001293192.2, NM_001293196.2, NM_001407091.1); c.1148A>G, p.Gln383Arg (NM_001350650.2, NM_001350651.2, NM_001407082.1); c.1409A>G, p.Gln470Arg (NM_001407075.1); and 5 more; short protein forms Q470R, Q512R, Q513R, Q485R, Q498R, Q509R, Q523R, Q526R.
Identifiers: ClinVar variation 4113387 (VCV004113387.1).